The following is an entry in ClinVar:

ClinVar aggregate classification (germline): Pathogenic/Likely pathogenic. Review status: criteria provided, multiple submitters, no conflicts (2 of 4 stars). 2 submissions from 2 submitters: Pathogenic (1); Likely pathogenic (1). Last evaluated 2024-12-09.

Conditions:
Walker-Warburg congenital muscular dystrophy. Also called: Muscular dystrophy-dystroglycanopathy, type A; Walker-Warburg syndrome. Identifiers: Orphanet 899, MedGen C0265221, MONDO:0000171.
Autosomal recessive limb-girdle muscular dystrophy type 2I. Also called: MUSCULAR DYSTROPHY-DYSTROGLYCANOPATHY (LIMB-GIRDLE), TYPE C, 5; MUSCULAR DYSTROPHY-DYSTROGLYCANOPATHY, LIMB-GIRDLE, FRKP-RELATED; MUSCULAR DYSTROPHY, LIMB-GIRDLE, TYPE 2I. Identifiers: Orphanet 34515, MedGen C1846672, MONDO:0011787, OMIM 607155.

Submissions (2):

Labcorp Genetics (formerly Invitae), Labcorp
Classification: Pathogenic for Walker-Warburg congenital muscular dystrophy. Last evaluated: 2024-12-09. Review status: criteria provided, single submitter. Criteria: Invitae Variant Classification Sherloc (09022015). Collection method: clinical testing. Allele origin: germline.
Comment: This sequence change creates a premature translational stop signal (p.Tyr361*) in the FKRP gene. While this is not anticipated to result in nonsense mediated decay, it is expected to disrupt the last 135 amino acid(s) of the FKRP protein. This variant is not present in population databases (gnomAD no frequency). This variant has not been reported in the literature in individuals affected with FKRP-related conditions. ClinVar contains an entry for this variant (Variation ID: 408721). This variant disrupts a region of the FKRP protein in which other variant(s) (p.Ser385*) have been determined to be pathogenic (PMID: 11592034, 12666124, 12707425, 14742276). This suggests that this is a clinically significant region of the protein, and that variants that disrupt it are likely to be disease-causing. For these reasons, this variant has been classified as Pathogenic.

Natera, Inc.
Classification: Likely pathogenic for Limb-girdle muscular dystrophy type 2I. Last evaluated: 2024-09-30. Review status: criteria provided, single submitter. Criteria: Natera Variant Classification Schema (03/2026). Collection method: clinical testing. Allele origin: germline.
Comment: The c.1083C>A variant in FKRP is a nonsense variant predicted to introduce a stop codon at amino acid 361. This variant is expected to result in nonsense mediated decay, truncation, or a dysfunctional protein product. This variant is rare in the general population with a frequency below the threshold expected for the associated phenotype(s). Given the available evidence, this variant is classified as Likely Pathogenic.

Literature cited by the submitters: PubMed 11592034 (cited by Labcorp Genetics (formerly Invitae), Labcorp); PubMed 12666124 (cited by Labcorp Genetics (formerly Invitae), Labcorp); PubMed 12707425 (cited by Labcorp Genetics (formerly Invitae), Labcorp); PubMed 14742276 (cited by Labcorp Genetics (formerly Invitae), Labcorp).

NM_024301.5(FKRP):c.1083C>A (p.Tyr361Ter)

Gene: FKRP (fukutin related protein; plus strand). Cytogenetic location: 19q13.32.
Variant type: single nucleotide variant.
Coding change: c.1083C>A on transcript NM_024301.5 (MANE Select); coding-DNA position 1083, C replaced by A.
Protein change: p.Tyr361Ter; replaces tyrosine 361 with a stop codon.
Molecular consequence: nonsense.
Genome position (GRCh38, 1-based): chr19:46,756,533, C>A. VCF-style: chr19-46756533-C-A. GRCh37 (hg19) VCF-style: chr19-47259790-C-A.
Other names: c.1083C>A, p.Tyr361Ter (NM_001039885.3); short protein forms Y361*.
Identifiers: ClinVar variation 408721 (VCV000408721.8), dbSNP rs1060502109, ClinGen allele CA16616286.
Genomic context (GRCh38, chr19:46,756,533, plus strand): 5'-GCTCGAGGGCGGCTCACTGCTGGGGGCCGCCCGCCACGGGGACATCATCCCATGGGACTA[C>A]GACGTGGACCTGGGCATCTACTTGGAGGACGTGGGCAACTGCGAGCAGCTGCGGGGGGCA-3'